The following is an entry in ClinVar:

NM_016292.3(TRAP1):c.1778G>C (p.Arg593Pro)

Genes: DNASE1 (deoxyribonuclease 1; plus strand), TRAP1 (TNF receptor associated protein 1; minus strand). Cytogenetic location: 16p13.3.
Variant type: single nucleotide variant.
Coding change: c.1778G>C on transcript NM_016292.3 (MANE Select); coding-DNA position 1778, G replaced by C.
Protein change: p.Arg593Pro; replaces arginine 593 with proline.
Molecular consequence: missense variant. On other transcripts: 3 prime UTR variant (1).
Genome position (GRCh38, 1-based): chr16:3,662,898, C>G on the plus strand (G>C on the coding strand, the complement: TRAP1 is on the minus strand). VCF-style: chr16-3662898-C-G. GRCh37 (hg19) VCF-style: chr16-3712899-C-G.
Other names: c.1619G>C, p.Arg540Pro (NM_001272049.2); c.*274C>G (NM_001387140.1); short protein forms R593P, R540P.
Identifiers: ClinVar variation 2902027 (VCV002902027.4), dbSNP rs145850823, ClinGen allele CA7867892.

ClinVar aggregate classification (germline): Uncertain significance. Review status: criteria provided, multiple submitters, no conflicts (2 of 4 stars). 2 submissions from 2 submitters: Uncertain significance (2). Last evaluated 2025-03-29.

Allele frequency attached by ClinVar (database versions not stated): ESP Exome Variant Server 0.00031.
gnomAD v4.1: 68 of 1,613,582 alleles (0.0042%); highest among the groups gnomAD compares: African/African-American, 0.083%; no homozygotes.

Submissions (2):

Labcorp Genetics (formerly Invitae), Labcorp
Classification: Uncertain significance. Last evaluated: 2025-03-29. Review status: criteria provided, single submitter. Criteria: Invitae Variant Classification Sherloc (09022015). Collection method: clinical testing. Allele origin: germline.
Comment: This sequence change replaces arginine, which is basic and polar, with proline, which is neutral and non-polar, at codon 593 of the TRAP1 protein (p.Arg593Pro). This variant is present in population databases (rs145850823, gnomAD 0.07%), and has an allele count higher than expected for a pathogenic variant. This variant has not been reported in the literature in individuals affected with TRAP1-related conditions. ClinVar contains an entry for this variant (Variation ID: 2902027). Invitae Evidence Modeling of protein sequence and biophysical properties (such as structural, functional, and spatial information, amino acid conservation, physicochemical variation, residue mobility, and thermodynamic stability) indicates that this missense variant is not expected to disrupt TRAP1 protein function with a negative predictive value of 80%. In summary, the available evidence is currently insufficient to determine the role of this variant in disease. Therefore, it has been classified as a Variant of Uncertain Significance.

Ambry Genetics
Classification: Uncertain significance. Last evaluated: 2024-08-12. Review status: criteria provided, single submitter. Criteria: Ambry Variant Classification Scheme 2023. Collection method: clinical testing. Allele origin: germline.